The following is an entry in ClinVar:

NM_001171.6(ABCC6):c.1842C>T (p.Val614=)

Gene: ABCC6 (ATP binding cassette subfamily C member 6; minus strand). Cytogenetic location: 16p13.11.
Variant type: single nucleotide variant.
Coding change: c.1842C>T on transcript NM_001171.6 (MANE Select); coding-DNA position 1842, C replaced by T.
Protein change: p.Val614=; no amino-acid change (valine 614 retained).
Molecular consequence: synonymous variant. On other transcripts: non-coding transcript variant (1).
Genome position (GRCh38, 1-based): chr16:16,187,149, G>A on the plus strand (C>T on the coding strand, the complement: ABCC6 is on the minus strand). VCF-style: chr16-16187149-G-A. GRCh37 (hg19) VCF-style: chr16-16281006-G-A.
Other names: c.1500C>T, p.Val500= (NM_001351800.1); c.1842C>T (NM_001171.5).
Identifiers: ClinVar variation 1091171 (VCV001091171.10), dbSNP rs375557810, ClinGen allele CA7926142.

ClinVar aggregate classification (germline): Likely benign. Review status: criteria provided, multiple submitters, no conflicts (2 of 4 stars). 2 submissions from 2 submitters: Likely benign (2). Last evaluated 2026-01-12.

Conditions:
ABCC6-related disorder. Also called: ABCC6-related condition.

Allele frequency attached by ClinVar (database versions not stated): gnomAD exomes below 0.00001; ExAC 0.00001; gnomAD 0.00005 and 0.00006; TOPMed 0.00005; ESP Exome Variant Server 0.00008.
gnomAD v4.1: 11 of 1,613,194 alleles (0.00068%); highest among the groups gnomAD compares: African/African-American, 0.011%; no homozygotes.

Submissions (2):

Labcorp Genetics (formerly Invitae), Labcorp
Classification: Likely benign. Last evaluated: 2026-01-12. Review status: criteria provided, single submitter. Criteria: Invitae Variant Classification Sherloc (09022015). Collection method: clinical testing. Allele origin: germline.

PreventionGenetics, part of Exact Sciences
Classification: Likely benign for ABCC6-related condition. Last evaluated: 2024-10-18. Review status: criteria provided, single submitter. Criteria: ACMG Guidelines, 2015. Collection method: clinical testing. Allele origin: germline.
Comment: This variant is classified as likely benign based on ACMG/AMP sequence variant interpretation guidelines (Richards et al. 2015 PMID: 25741868, with internal and published modifications).